The following is an entry in ClinVar:

ClinVar aggregate classification (germline): Uncertain significance. Review status: criteria provided, multiple submitters, no conflicts (2 of 4 stars). 2 submissions from 2 submitters: Uncertain significance (2). Last evaluated 2025-11-05.

Conditions:
Hereditary cancer-predisposing syndrome. Also called: Neoplastic Syndromes, Hereditary; Hereditary Cancer Syndrome; Hereditary neoplastic syndrome; Tumor predisposition. Identifiers: Orphanet 140162, MedGen C0027672, MeSH D009386, MONDO:0015356.
Parathyroid carcinoma (PRTC). Also called: CDC73-Related Parathyroid Carcinoma; Parathyroid gland carcinoma. Identifiers: Orphanet 143, MedGen C0687150, MONDO:0012004, OMIM 608266, HP:0006780.

Allele frequency attached by ClinVar (database versions not stated): gnomAD exomes 0.00001.
gnomAD v4.1: 10 of 1,612,280 alleles (0.00062%); highest among the groups gnomAD compares: Non-Finnish European, 0.00085%; no homozygotes.

Submissions (3):

Labcorp Genetics (formerly Invitae), Labcorp
Classification: Uncertain significance for Parathyroid carcinoma. Last evaluated: 2025-11-05. Review status: criteria provided, single submitter. Criteria: Invitae Variant Classification Sherloc (09022015). Collection method: clinical testing. Allele origin: germline.
Comment: This sequence change replaces arginine, which is basic and polar, with glycine, which is neutral and non-polar, at codon 520 of the CDC73 protein (p.Arg520Gly). This variant is not present in population databases (gnomAD no frequency). This variant has not been reported in the literature in individuals affected with CDC73-related conditions. ClinVar contains an entry for this variant (Variation ID: 462753). An algorithm developed to predict the effect of missense changes on protein structure and function (PolyPhen-2) suggests that this variant is likely to be tolerated. In summary, the available evidence is currently insufficient to determine the role of this variant in disease. Therefore, it has been classified as a Variant of Uncertain Significance.

Ambry Genetics
Classification: Uncertain significance for Hereditary cancer-predisposing syndrome. Last evaluated: 2023-09-14. Review status: criteria provided, single submitter. Criteria: Ambry Variant Classification Scheme 2023. Collection method: clinical testing. Allele origin: germline.
Comment: The p.R520G variant (also known as c.1558A>G), located in coding exon 16 of the CDC73 gene, results from an A to G substitution at nucleotide position 1558. The arginine at codon 520 is replaced by glycine, an amino acid with dissimilar properties. This amino acid position is conserved. In addition, the in silico prediction for this alteration is inconclusive. Since supporting evidence is limited at this time, the clinical significance of this alteration remains unclear.

Dr. Peter K. Rogan Lab, Western University
No classification provided (evidence only). Condition: Nonpapillary renal cell carcinoma. Review status: no classification provided. Collection method: in vitro. Allele origin: not applicable. Functional consequence: retained intron. Not counted in ClinVar's aggregate classification.

NM_024529.5(CDC73):c.1558A>G (p.Arg520Gly)

Gene: CDC73 (cell division cycle 73; plus strand). Cytogenetic location: 1q31.2.
Variant type: single nucleotide variant.
Coding change: c.1558A>G on transcript NM_024529.5 (MANE Select); coding-DNA position 1558, A replaced by G.
Protein change: p.Arg520Gly; replaces arginine 520 with glycine.
Molecular consequence: missense variant.
Genome position (GRCh38, 1-based): chr1:193,249,870, A>G. VCF-style: chr1-193249870-A-G. GRCh37 (hg19) VCF-style: chr1-193219000-A-G.
Other names: short protein forms R520G.
Identifiers: ClinVar variation 462753 (VCV000462753.12), dbSNP rs1553292974, ClinGen allele CA344078658.